The following is an entry in ClinVar:

NM_182760.4(SUMF1):c.*675A>C

Gene: SUMF1 (sulfatase modifying factor 1; minus strand). Cytogenetic location: 3p26.1.
Variant type: single nucleotide variant.
Coding change: c.*675A>C on transcript NM_182760.4 (MANE Select); 675 bases downstream of the stop codon, A replaced by C.
Molecular consequence: 3 prime UTR variant.
Genome position (GRCh38, 1-based): chr3:4,361,469, T>G on the plus strand (A>C on the coding strand, the complement: SUMF1 is on the minus strand). VCF-style: chr3-4361469-T-G. GRCh37 (hg19) VCF-style: chr3-4403153-T-G.
Other names: c.*675A>C (NM_001164674.2, NM_001164675.2).
Identifiers: ClinVar variation 345295 (VCV000345295.6), dbSNP rs14275, ClinGen allele CA10618778.

ClinVar aggregate classification (germline): Benign. Review status: criteria provided, multiple submitters, no conflicts (2 of 4 stars). 2 submissions from 2 submitters: Benign (2). Last evaluated 2018-01-13.

Conditions:
Multiple sulfatase deficiency (MSD). Also called: Mucosulfatidosis; Multiple Sulfatase Deficiency Disease; Sulfatidosis, Juvenile, Austin Type. Identifiers: Orphanet 585, MedGen C0268263, MONDO:0010088, OMIM 272200.

Allele frequency attached by ClinVar (database versions not stated): 1000 Genomes Project 0.48163; 1000 Genomes Project 30x 0.48657; TOPMed 0.59917; gnomAD 0.60640 and 0.61157; gnomAD exomes 0.73459.
gnomAD v4.1: 93,765 of 153,944 alleles (61%); highest among the groups gnomAD compares: Non-Finnish European, 75%; 30,639 homozygotes.

Submissions (2):

Illumina Laboratory Services, Illumina
Classification: Benign for Multiple sulfatase deficiency. Last evaluated: 2018-01-13. Review status: criteria provided, single submitter. Criteria: ICSL Variant Classification Criteria 13 December 2019. Collection method: clinical testing. Allele origin: germline.
Comment: This variant was observed in the ICSL laboratory as part of a predisposition screen in an ostensibly healthy population. It had not been previously curated by ICSL or reported in the Human Gene Mutation Database (HGMD: prior to June 1st, 2018), and was therefore a candidate for classification through an automated scoring system. Utilizing variant allele frequency, disease prevalence and penetrance estimates, and inheritance mode, an automated score was calculated to assess if this variant is too frequent to cause the disease. Based on the score and internal cut-off values, a variant classified as benign is not then subjected to further curation. The score for this variant resulted in a classification of benign for this disease.

Breakthrough Genomics
Classification: Benign. Review status: criteria provided, single submitter. Criteria: ACMG Guidelines, 2015. Collection method: not provided. Allele origin: germline. Inheritance: Autosomal recessive inheritance. Affected: yes.